The following is an entry in ClinVar:

ClinVar aggregate classification (germline): Uncertain significance (1 of 4 stars; one submission).

Submission:

Labcorp Genetics (formerly Invitae), Labcorp
Classification: Uncertain significance. Last evaluated: 2024-11-18. Review status: criteria provided, single submitter. Criteria: Invitae Variant Classification Sherloc (09022015). Collection method: clinical testing. Allele origin: germline.
Comment: This sequence change replaces glycine, which is neutral and non-polar, with glutamic acid, which is acidic and polar, at codon 426 of the PACS2 protein (p.Gly426Glu). This variant is not present in population databases (gnomAD no frequency). This variant has not been reported in the literature in individuals affected with PACS2-related conditions. ClinVar contains an entry for this variant (Variation ID: 2698936). Invitae Evidence Modeling of protein sequence and biophysical properties (such as structural, functional, and spatial information, amino acid conservation, physicochemical variation, residue mobility, and thermodynamic stability) indicates that this missense variant is not expected to disrupt PACS2 protein function with a negative predictive value of 80%. In summary, the available evidence is currently insufficient to determine the role of this variant in disease. Therefore, it has been classified as a Variant of Uncertain Significance.

NM_001100913.3(PACS2):c.1277G>A (p.Gly426Glu)

Gene: PACS2 (phosphofurin acidic cluster sorting protein 2; plus strand). Cytogenetic location: 14q32.33.
Variant type: single nucleotide variant.
Coding change: c.1277G>A on transcript NM_001100913.3 (MANE Select); coding-DNA position 1277, G replaced by A.
Protein change: p.Gly426Glu; replaces glycine 426 with glutamic acid.
Molecular consequence: missense variant.
Genome position (GRCh38, 1-based): chr14:105,381,922, G>A. VCF-style: chr14-105381922-G-A. GRCh37 (hg19) VCF-style: chr14-105848259-G-A.
Other names: c.1052G>A, p.Gly351Glu (NM_001243127.3); c.1277G>A, p.Gly426Glu (NM_015197.4); short protein forms G426E, G351E.
Identifiers: ClinVar variation 2698936 (VCV002698936.3), dbSNP rs1555412125, ClinGen allele CA391181474.